The following is an entry in ClinVar:

ClinVar aggregate classification (germline): Uncertain significance (1 of 4 stars; one submission).

Conditions:
Inborn genetic diseases. Identifiers: MedGen C0950123, MeSH D030342.

Allele frequency attached by ClinVar (database versions not stated): gnomAD exomes below 0.00001; ExAC 0.00002.
gnomAD v4.1: 1 of 1,614,104 alleles (0.000062%); highest among the groups gnomAD compares: Non-Finnish European, 0.000085%; no homozygotes.

Submission:

Ambry Genetics
Classification: Uncertain significance for Inborn genetic diseases. Last evaluated: 2022-04-19. Review status: criteria provided, single submitter. Criteria: Ambry Variant Classification Scheme 2023. Collection method: clinical testing. Allele origin: germline.
Comment: The p.Q1869R variant (also known as c.5606A>G), located in coding exon 33 of the ATR gene, results from an A to G substitution at nucleotide position 5606. The glutamine at codon 1869 is replaced by arginine, an amino acid with highly similar properties. This amino acid position is conserved. In addition, this alteration is predicted to be tolerated by in silico analysis. Since supporting evidence is limited at this time, the clinical significance of this alteration remains unclear.

NM_001184.4(ATR):c.5606A>G (p.Gln1869Arg)

Gene: ATR (ATR checkpoint kinase; minus strand). Cytogenetic location: 3q23.
Variant type: single nucleotide variant.
Coding change: c.5606A>G on transcript NM_001184.4 (MANE Select); coding-DNA position 5606, A replaced by G.
Protein change: p.Gln1869Arg; replaces glutamine 1869 with arginine.
Molecular consequence: missense variant.
Genome position (GRCh38, 1-based): chr3:142,497,145, T>C on the plus strand (A>G on the coding strand, the complement: ATR is on the minus strand). VCF-style: chr3-142497145-T-C. GRCh37 (hg19) VCF-style: chr3-142215987-T-C.
Other names: c.5414A>G, p.Gln1805Arg (NM_001354579.2); short protein forms Q1805R, Q1869R.
Identifiers: ClinVar variation 1748598 (VCV001748598.3), dbSNP rs759599412, ClinGen allele CA2649578.
Genomic context (GRCh38, chr3:142,497,145, plus strand): 5'-ATTTCTAGTCGAGCTACCCAGTTTAGAGAATCTTCTTGAGAACTGTCACCTGGAGAATGC[T>C]GGAAAAGTGGTTTGATGCTATGCTCCAACTCACATAACATGTGCAATCTGAAGATAGATA-3'
Protein context (NP_001175.2, residues 1859-1879): ELEHSIKPLF[Gln1869Arg]HSPGDSSQED